The following is an entry in ClinVar:

ClinVar aggregate classification (germline): Uncertain significance. Review status: criteria provided, multiple submitters, no conflicts (2 of 4 stars). 3 submissions from 3 submitters: Uncertain significance (3). Last evaluated 2025-02-16.

Conditions:
Cardiovascular phenotype. Identifiers: MedGen CN230736.
Legius syndrome. Identifiers: Orphanet 137605, MedGen C1969623, MONDO:0012669, OMIM 611431. Disease mechanism: loss of function.
Noonan syndrome and Noonan-related syndrome. Identifiers: Orphanet 98733, MedGen C5681679, MONDO:0020297.

Submissions (3):

Ambry Genetics
Classification: Uncertain significance for Cardiovascular phenotype. Last evaluated: 2025-02-16. Review status: criteria provided, single submitter. Criteria: Ambry Variant Classification Scheme 2023. Collection method: clinical testing. Allele origin: germline.
Comment: The p.K84E variant (also known as c.250A>G), located in coding exon 3 of the SPRED1 gene, results from an A to G substitution at nucleotide position 250. The lysine at codon 84 is replaced by glutamic acid, an amino acid with similar properties. This amino acid position is conserved. In addition, this alteration is predicted to be deleterious by in silico analysis. Based on the available evidence, the clinical significance of this variant remains unclear.

Fulgent Genetics
Classification: Uncertain significance for Legius syndrome. Last evaluated: 2024-05-05. Review status: criteria provided, single submitter. Criteria: ACMG Guidelines, 2015. Collection method: clinical testing. Allele origin: germline.

Genome Diagnostics Laboratory, The Hospital for Sick Children
Classification: Uncertain significance for Noonan syndrome and Noonan-related syndrome. Last evaluated: 2017-07-18. Review status: criteria provided, single submitter. Criteria: ACMG Guidelines, 2015. Collection method: clinical testing. Allele origin: germline.

NM_152594.3(SPRED1):c.250A>G (p.Lys84Glu)

Gene: SPRED1 (sprouty related EVH1 domain containing 1; plus strand). Cytogenetic location: 15q14.
Variant type: single nucleotide variant.
Coding change: c.250A>G on transcript NM_152594.3 (MANE Select); coding-DNA position 250, A replaced by G.
Protein change: p.Lys84Glu; replaces lysine 84 with glutamic acid.
Molecular consequence: missense variant.
Genome position (GRCh38, 1-based): chr15:38,322,283, A>G. VCF-style: chr15-38322283-A-G. GRCh37 (hg19) VCF-style: chr15-38614484-A-G.
Other names: short protein forms K84E.
Identifiers: ClinVar variation 1334306 (VCV001334306.5), dbSNP rs2140994791, ClinGen allele CA391931977.
Genomic context (GRCh38, chr15:38,322,283, plus strand): 5'-GTATTTGGCTTTTGTCAGGTGGTTTTGGAATGTATGCTTAAAAAAGACCTCATTTATAAT[A>G]AGGTCACTCCAACATTTCACCACTGGAAGATTGATGACAAGAAGTTTGGTCTTACGTTTC-3'
Protein context (NP_689807.1, residues 74-94): CMLKKDLIYN[Lys84Glu]VTPTFHHWKI